The following is an entry in ClinVar:

NM_000540.3(RYR1):c.10938-17A>G

Gene: RYR1 (ryanodine receptor 1; plus strand). Cytogenetic location: 19q13.2.
Variant type: single nucleotide variant.
Coding change: c.10938-17A>G on transcript NM_000540.3 (MANE Select); 17 bases into the intron before coding-DNA position 10938, A replaced by G.
Molecular consequence: intron variant.
Genome position (GRCh38, 1-based): chr19:38,528,582, A>G. VCF-style: chr19-38528582-A-G. GRCh37 (hg19) VCF-style: chr19-39019222-A-G.
Other names: c.10923-17A>G (NM_001042723.2).
Identifiers: ClinVar variation 256396 (VCV000256396.52), dbSNP rs181147531, ClinGen allele CA055339.

ClinVar aggregate classification (germline): Benign/Likely benign. Review status: criteria provided, multiple submitters, no conflicts (2 of 4 stars). 8 submissions from 8 submitters: Benign (4); Likely benign (2). 2 of the submissions do not count toward it. Last evaluated 2026-02-04.

Conditions:
RYR1-related disorder. Also called: RYR1-related disorders; RYR1-related condition. Identifiers: MedGen CN239331.
Malignant hyperthermia, susceptibility to, 1 (MHS1). Also called: Anesthesia related hyperthermia; Malignant hyperpyrexia; Fulminating hyperpyrexia; Pharmacogenic myopathy; RYR1-Related Malignant Hyperthermia Susceptibility; Malignant hyperthermia suceptibility 1. Identifiers: Orphanet 423, MedGen C2930980, MONDO:0007783, OMIM 145600.
King Denborough syndrome (KDS). Identifiers: MedGen C1840365, MONDO:0020485, OMIM 619542.
Congenital multicore myopathy with external ophthalmoplegia (CMYO1B). Also called: MULTIMINICORE DISEASE WITH EXTERNAL OPHTHALMOPLEGIA; MULTICORE MYOPATHY; Minicore myopathy with external ophthalmoplegia; Congenital myopathy 1B, autosomal recessive; Minicore myopathy. Identifiers: Orphanet 598, Orphanet 98905, MedGen C1850674, MONDO:0009712, OMIM 255320, HP:0003789.
Central core myopathy (CMYO1A). Also called: CONGENITAL MYOPATHY 1A, AUTOSOMAL DOMINANT, WITH SUSCEPTIBILITY TO MALIGNANT HYPERTHERMIA; Central core disease; Myopathy, central fibrillar. Identifiers: Orphanet 597, MedGen C5830701, MONDO:0007294, OMIM 117000.
Congenital myopathy with fiber type disproportion. Also called: Congenital fiber-type disproportion; Congenital fiber-type disproportion myopathy. Identifiers: Orphanet 2020, MedGen C0546264, MONDO:0009711. Inheritance: all.

Allele frequency attached by ClinVar (database versions not stated): 1000 Genomes Project 30x 0.00109; 1000 Genomes Project 0.00140; TOPMed 0.00227; ESP Exome Variant Server 0.00246; ExAC 0.00445; gnomAD 0.00487 and 0.00513; gnomAD exomes 0.00487 and 0.00494.
gnomAD v4.1: 7,727 of 1,613,748 alleles (0.48%); highest among the groups gnomAD compares: Non-Finnish European, 0.47%; 46 homozygotes.

Submissions (8):

Labcorp Genetics (formerly Invitae), Labcorp
Classification: Benign for RYR1-related disorder. Last evaluated: 2026-02-04. Review status: criteria provided, single submitter. Criteria: Invitae Variant Classification Sherloc (09022015). Collection method: clinical testing. Allele origin: germline.

ARUP Laboratories, Molecular Genetics and Genomics, ARUP Laboratories
Classification: Benign. Last evaluated: 2025-05-30. Review status: criteria provided, single submitter. Criteria: ARUP Molecular Germline Variant Investigation Process 2024. Collection method: clinical testing. Allele origin: germline.

CeGaT Center for Human Genetics Tuebingen
Classification: Likely benign. Last evaluated: 2022-05-01. Review status: criteria provided, single submitter. Criteria: CeGaT Center For Human Genetics Tuebingen Variant Classification Criteria Version 2. Collection method: clinical testing. Allele origin: germline. Affected: yes. Observed: 2 variant alleles.
Comment: RYR1: BS2

Fulgent Genetics
Classification: Benign for Central core myopathy; Malignant hyperthermia, susceptibility to, 1; Congenital myopathy 4A, autosomal dominant; Congenital multicore myopathy with external ophthalmoplegia; King Denborough syndrome. Last evaluated: 2021-08-10. Review status: criteria provided, single submitter. Criteria: ACMG Guidelines, 2015. Collection method: clinical testing. Allele origin: unknown.

GeneDx
Classification: Benign. Last evaluated: 2016-08-09. Review status: criteria provided, single submitter. Criteria: GeneDx Variant Classification (06012015). Collection method: clinical testing. Allele origin: germline. Affected: yes.
Comment: This variant is considered likely benign or benign based on one or more of the following criteria: it is a conservative change, it occurs at a poorly conserved position in the protein, it is predicted to be benign by multiple in silico algorithms, and/or has population frequency not consistent with disease.

PreventionGenetics, part of Exact Sciences
Classification: Likely benign. Review status: criteria provided, single submitter. Criteria: ACMG Guidelines, 2015. Collection method: clinical testing. Allele origin: germline.

Joint Genome Diagnostic Labs from Nijmegen and Maastricht, Radboudumc and MUMC+
Classification: Likely benign. Review status: no assertion criteria provided. Collection method: clinical testing. Allele origin: germline. Affected: yes. Study: VKGL Data-share Consensus. Not counted in ClinVar's aggregate classification.

Laboratory of Diagnostic Genome Analysis, Leiden University Medical Center (LUMC)
Classification: Likely benign. Review status: no assertion criteria provided. Collection method: clinical testing. Allele origin: germline. Affected: yes. Study: VKGL Data-share Consensus. Not counted in ClinVar's aggregate classification.